The following is an entry in ClinVar:

ClinVar aggregate classification (germline): Uncertain significance (1 of 4 stars; one submission).

Submission:

GeneDx
Classification: Uncertain significance. Last evaluated: 2025-03-23. Review status: criteria provided, single submitter. Criteria: GeneDx Variant Classification Process June 2021. Collection method: clinical testing. Allele origin: germline. Affected: yes.
Comment: In silico analysis indicates that this missense variant does not alter protein structure/function; Has not been previously published as pathogenic or benign to our knowledge

NM_001373.1:c.12338C>A

Gene: DNAH14 (dynein axonemal heavy chain 14; plus strand).
Variant type: single nucleotide variant.
Identifiers: ClinVar variation 4088179 (VCV004088179.1).